The following is an entry in ClinVar:

NM_001711.6(BGN):c.351C>T (p.Tyr117=)

Gene: BGN (biglycan; plus strand). Cytogenetic location: Xq28.
Variant type: single nucleotide variant.
Coding change: c.351C>T on transcript NM_001711.6 (MANE Select); coding-DNA position 351, C replaced by T.
Protein change: p.Tyr117=; no amino-acid change (tyrosine 117 retained).
Molecular consequence: synonymous variant.
Genome position (GRCh38, 1-based): chrX:153,505,350, C>T. VCF-style: chrX-153505350-C-T. GRCh37 (hg19) VCF-style: chrX-152770808-C-T.
Identifiers: ClinVar variation 2041403 (VCV002041403.4), dbSNP rs782268995, ClinGen allele CA337213840.

ClinVar aggregate classification (germline): Uncertain significance (1 of 4 stars; one submission).

Allele frequency attached by ClinVar (database versions not stated): gnomAD exomes below 0.00001; TOPMed 0.00001; gnomAD 0.00002; 1000 Genomes Project 30x 0.00021; 1000 Genomes Project 0.00026.
gnomAD v4.1: 3 of 1,199,004 alleles (0.00025%); highest among the groups gnomAD compares: East Asian, 0.003%; no homozygotes.

Submission:

Labcorp Genetics (formerly Invitae), Labcorp
Classification: Uncertain significance. Last evaluated: 2021-12-23. Review status: criteria provided, single submitter. Criteria: Invitae Variant Classification Sherloc (09022015). Collection method: clinical testing. Allele origin: germline.
Comment: This variant is not present in population databases (gnomAD no frequency). In summary, the available evidence is currently insufficient to determine the role of this variant in disease. Therefore, it has been classified as a Variant of Uncertain Significance. Experimental studies and prediction algorithms are not available or were not evaluated, and the effect of this variant on mRNA splicing is currently unknown. This variant has not been reported in the literature in individuals affected with BGN-related conditions. This sequence change affects codon 117 of the BGN mRNA. It is a 'silent' change, meaning that it does not change the encoded amino acid sequence of the BGN protein. It affects a nucleotide within the consensus splice site.